The following is an entry in ClinVar:

ClinVar aggregate classification (germline): Uncertain significance (1 of 4 stars; one submission).

Conditions:
Severe combined immunodeficiency due to DNA-PKcs deficiency. Also called: IMMUNODEFICIENCY 26 WITH NEUROLOGIC ABNORMALITIES; Immunodeficiency 26 with or without neurologic abnormalities. Identifiers: Orphanet 317425, MedGen C4014833, MONDO:0014423, OMIM 615966.

Allele frequency attached by ClinVar (database versions not stated): TOPMed below 0.00001; ExAC 0.00001; gnomAD 0.00001; gnomAD exomes 0.00002 and 0.00004.
gnomAD v4.1: 59 of 1,603,468 alleles (0.0037%); highest among the groups gnomAD compares: Non-Finnish European, 0.0048%; no homozygotes.

Submission:

Labcorp Genetics (formerly Invitae), Labcorp
Classification: Uncertain significance for Severe combined immunodeficiency due to DNA-PKcs deficiency. Last evaluated: 2022-01-13. Review status: criteria provided, single submitter. Criteria: Invitae Variant Classification Sherloc (09022015). Collection method: clinical testing. Allele origin: germline.
Comment: This sequence change replaces lysine, which is basic and polar, with glutamine, which is neutral and polar, at codon 2001 of the PRKDC protein (p.Lys2001Gln). This variant is present in population databases (rs751494390, gnomAD 0.003%). This variant has not been reported in the literature in individuals affected with PRKDC-related conditions. Experimental studies and prediction algorithms are not available or were not evaluated, and the functional significance of this variant is currently unknown. In summary, the available evidence is currently insufficient to determine the role of this variant in disease. Therefore, it has been classified as a Variant of Uncertain Significance.

NM_006904.7(PRKDC):c.6001A>C (p.Lys2001Gln)

Gene: PRKDC (protein kinase, DNA-activated, catalytic subunit; minus strand). Cytogenetic location: 8q11.21.
Variant type: single nucleotide variant.
Coding change: c.6001A>C on transcript NM_006904.7 (MANE Select); coding-DNA position 6001, A replaced by C.
Protein change: p.Lys2001Gln; replaces lysine 2001 with glutamine.
Molecular consequence: missense variant.
Genome position (GRCh38, 1-based): chr8:47,860,956, T>G on the plus strand (A>C on the coding strand, the complement: PRKDC is on the minus strand). VCF-style: chr8-47860956-T-G. GRCh37 (hg19) VCF-style: chr8-48773517-T-G.
Other names: c.6001A>C, p.Lys2001Gln (NM_001081640.2); short protein forms K2001Q.
Identifiers: ClinVar variation 1397082 (VCV001397082.3), dbSNP rs751494390, ClinGen allele CA4740500.